The following is an entry in ClinVar:

NM_000539.3(RHO):c.408C>A (p.Tyr136Ter)

Gene: RHO (rhodopsin; plus strand). Cytogenetic location: 3q22.1.
Variant type: single nucleotide variant.
Coding change: c.408C>A on transcript NM_000539.3 (MANE Select); coding-DNA position 408, C replaced by A.
Protein change: p.Tyr136Ter; replaces tyrosine 136 with a stop codon.
Molecular consequence: nonsense.
Genome position (GRCh38, 1-based): chr3:129,530,922, C>A. VCF-style: chr3-129530922-C-A. GRCh37 (hg19) VCF-style: chr3-129249765-C-A.
Other names: short protein forms Y136*.
Identifiers: ClinVar variation 635082 (VCV000635082.13), dbSNP rs200248198, ClinGen allele CA82648518.

ClinVar aggregate classification (germline): Pathogenic/Likely pathogenic. Review status: criteria provided, multiple submitters, no conflicts (2 of 4 stars). 5 submissions from 5 submitters: Pathogenic (3); Likely pathogenic (2). Last evaluated 2026-06-03.

Conditions:
RHO-related disorder. Also called: RHO-related condition.
Retinitis pigmentosa 4 (RP4). Also called: RETINITIS PIGMENTOSA, RHODOPSIN-RELATED. Identifiers: Orphanet 791, MedGen C3151001, MONDO:0013395, OMIM 613731.

Allele frequency attached by ClinVar (database versions not stated): TOPMed 0.00002.

Submissions (5):

PreventionGenetics, part of Exact Sciences
Classification: Pathogenic for RHO-related condition. Last evaluated: 2026-06-03. Review status: criteria provided, single submitter. Criteria: ACMG Guidelines, 2015. Collection method: clinical testing. Allele origin: germline.
Comment: The RHO c.408C>A variant is predicted to result in premature protein termination (p.Tyr136*). This variant has been reported in a family with late-onset autosomal dominant retinitis pigmentosa (Sanchez et al. 1996. PubMed ID: 8829640). A functional study found that this nonsense variant leads to nonsense-mediated decay of the transcript, and the authors hypothesized that this was the cause of the mild and late-onset phenotype (Roman-Sanchez et al. 2015. PubMed ID: 26416182). Other nonsense variants in this same study that did not cause nonsense-mediated decay were associated with severe autosomal dominant disease due to the translation of abnormal protein. This variant is absent in a large population database (gnomAD), indicating this variant is rare. Nonsense variants in RHO are an established mechanism for either autosomal recessive disease or mild and late-onset disease. This variant is interpreted as pathogenic for late-onset autosomal dominant disease.

Labcorp Genetics (formerly Invitae), Labcorp
Classification: Pathogenic. Last evaluated: 2026-01-05. Review status: criteria provided, single submitter. Criteria: Invitae Variant Classification Sherloc (09022015). Collection method: clinical testing. Allele origin: germline.
Comment: This sequence change creates a premature translational stop signal (p.Tyr136*) in the RHO gene. It is expected to result in an absent or disrupted protein product. Loss-of-function variants in RHO are known to be pathogenic (PMID: 1303237, 21174529). This variant is not present in population databases (gnomAD no frequency). This premature translational stop signal has been observed in individual(s) with clinical features of autosomal recessive RHO-related retinal disorders (internal data). ClinVar contains an entry for this variant (Variation ID: 635082). For these reasons, this variant has been classified as Pathogenic.

GeneDx
Classification: Likely pathogenic. Last evaluated: 2025-04-03. Review status: criteria provided, single submitter. Criteria: GeneDx Variant Classification Process June 2021. Collection method: clinical testing. Allele origin: germline. Affected: yes.
Comment: Observed in multiple affected individuals from a single Spanish family with late-onset, mild retinitis pigmentosa reported to be inherited in an autosomal dominant fashion, however segregation information was not provided (PMID: 8829640); Nonsense variant predicted to result in protein truncation or nonsense mediated decay in a gene for which loss of function is a known mechanism of disease; Published functional studies demonstrate significant reduction in mRNA levels, supporting degradation by nonsense mediated decay (PMID: 26416182); Reported in ClinVar in association with autosomal recessive retinal dystrophies but additional evidence is not available (ClinVar Variation ID# 635082; ClinVar); Not observed at significant frequency in large population cohorts (gnomAD); This variant is associated with the following publications: (PMID: 11559857, 15563868, 30977563, 38642551, 31319082, 8829640, 26416182)

Blueprint Genetics
Classification: Pathogenic for RHO-related disorders. Last evaluated: 2020-09-01. Review status: criteria provided, single submitter. Criteria: ACMG Guidelines, 2015. Collection method: clinical testing. Allele origin: germline. Affected: yes. Observed: 3 variant alleles.

Broad Center for Mendelian Genomics, Broad Institute of MIT and Harvard
Classification: Likely pathogenic for Retinitis pigmentosa 4. Last evaluated: 2018-06-15. Review status: criteria provided, single submitter. Criteria: ACMG Guidelines, 2015. Collection method: research. Allele origin: germline. Inheritance: Autosomal recessive inheritance. Affected: yes.
Comment: The homozygous p.Tyr136Ter variant was identified by our study in two siblings with retinitis pigmentosa. This variant was absent from large population studies and computational prediction tools suggest that this variant may impact the protein. Loss of function of the RHO gene is an established disease mechanism in autosomal recessive retinitis pigmentosa 4, and this is a loss of function variant. In summary, although additional studies are required to fully establish its pathogenicity, this variant is likely pathogenic.

Literature cited by the submitters: PubMed 1303237 (cited by Labcorp Genetics (formerly Invitae), Labcorp); PubMed 21174529 (cited by Labcorp Genetics (formerly Invitae), Labcorp).